The following is an entry in ClinVar:

NM_014727.3(KMT2B):c.6131C>T (p.Ala2044Val)

Gene: KMT2B (lysine methyltransferase 2B; plus strand). Cytogenetic location: 19q13.12.
Variant type: single nucleotide variant.
Coding change: c.6131C>T on transcript NM_014727.3 (MANE Select); coding-DNA position 6131, C replaced by T.
Protein change: p.Ala2044Val; replaces alanine 2044 with valine.
Molecular consequence: missense variant.
Genome position (GRCh38, 1-based): chr19:35,732,680, C>T. VCF-style: chr19-35732680-C-T. GRCh37 (hg19) VCF-style: chr19-36223581-C-T.
Other names: short protein forms A2044V.
Identifiers: ClinVar variation 1718122 (VCV001718122.5), dbSNP rs2513351992, ClinGen allele CA405425802.

ClinVar aggregate classification (germline): Uncertain significance (1 of 4 stars; one submission).

Submission:

Labcorp Genetics (formerly Invitae), Labcorp
Classification: Uncertain significance. Last evaluated: 2022-08-27. Review status: criteria provided, single submitter. Criteria: Invitae Variant Classification Sherloc (09022015). Collection method: clinical testing. Allele origin: germline.
Comment: In summary, the available evidence is currently insufficient to determine the role of this variant in disease. Therefore, it has been classified as a Variant of Uncertain Significance. Algorithms developed to predict the effect of missense changes on protein structure and function are either unavailable or do not agree on the potential impact of this missense change (SIFT: "Tolerated"; PolyPhen-2: "Not Available"; Align-GVGD: "Class C0"). This variant has not been reported in the literature in individuals affected with KMT2B-related conditions. This variant is not present in population databases (gnomAD no frequency). This sequence change replaces alanine, which is neutral and non-polar, with valine, which is neutral and non-polar, at codon 2044 of the KMT2B protein (p.Ala2044Val).